The following is an entry in ClinVar:

NM_022772.4(EPS8L2):c.1430dup (p.Val478fs)

Gene: EPS8L2 (EPS8 signaling adaptor L2; plus strand). Cytogenetic location: 11p15.5.
Variant type: Duplication.
Coding change: c.1430dup on transcript NM_022772.4 (MANE Select); coding-DNA position 1430, one base duplicated (C; older notation c.1430dupC).
Protein change: p.Val478fs; shifts the reading frame from valine 478.
Molecular consequence: frameshift variant.
Genome position (GRCh38, 1-based): chr11:723,329, C duplicated; the last of 2 consecutive C bases (chr11:723,328-723,329); duplicating either gives the same sequence. VCF-style (leftmost placement, unchanged base first): chr11-723327-A-AC. GRCh37 (hg19) VCF-style: chr11-723327-A-AC.
Other names: NM_022772.3:c.1430dup; c.1430dupC (NM_022772.4, NM_022772.3); short protein forms V478fs.
Identifiers: ClinVar variation 1334121 (VCV001334121.22), dbSNP rs758700198, ClinGen allele CA5787632.
Genomic context (GRCh38, chr11:723,327, plus strand): 5'-AAGAAACTCCCAGAAGCACAGCCCCACTTCAGAGCCCACCCCCCCGGGGGATGCCCTACC[A>AC]CCAGTCAGCTCCCCACATACTCACAGGTAAGCCCCCCTCAAAGTGAGGGAGCATGAAAGT-3'

ClinVar aggregate classification (germline): Pathogenic/Likely pathogenic. Review status: criteria provided, multiple submitters, no conflicts (2 of 4 stars). 12 submissions from 12 submitters: Pathogenic (8); Likely pathogenic (2). 2 of the submissions do not count toward it. Last evaluated 2026-08-19.

Conditions:
EPS8L2-related disorder. Also called: EPS8L2-related condition.
Hearing loss, autosomal recessive 106. Also called: DEAFNESS, AUTOSOMAL RECESSIVE 106. Identifiers: MedGen C4539954, MONDO:0033198, OMIM 617637.

Submissions (12):

GeneDx
Classification: Pathogenic. Last evaluated: 2026-08-19. Review status: criteria provided, single submitter. Criteria: GeneDx Variant Classification Process June 2021. Collection method: clinical testing. Allele origin: germline.
Comment: Frameshift variant predicted to result in protein truncation or nonsense mediated decay in a gene for which loss of function is a known mechanism of disease; This variant is associated with the following publications: (PMID: 32747562, 41514136)

Labcorp Genetics (formerly Invitae), Labcorp
Classification: Pathogenic. Last evaluated: 2025-08-31. Review status: criteria provided, single submitter. Criteria: Invitae Variant Classification Sherloc (09022015). Collection method: clinical testing. Allele origin: germline.
Comment: This sequence change creates a premature translational stop signal (p.Val478Serfs*25) in the EPS8L2 gene. It is expected to result in an absent or disrupted protein product. Loss-of-function variants in EPS8L2 are known to be pathogenic (PMID: 26282398, 28281779). This variant is present in population databases (rs758700198, gnomAD 0.04%). This variant has not been reported in the literature in individuals affected with EPS8L2-related conditions. ClinVar contains an entry for this variant (Variation ID: 1334121). For these reasons, this variant has been classified as Pathogenic.

Dasa
Classification: Pathogenic. Last evaluated: 2025-08-22. Review status: criteria provided, single submitter. Criteria: DASA Assertion Criteria. Collection method: clinical testing. Allele origin: germline.
Comment: NM_022772.4(EPS8L2):c.1430dup (p.Val478Serfs*25) introduces a premature termination codon predicted to result in loss of normal protein function. Loss-of-function is an established mechanism of disease for this gene. This variant has been observed in affected individuals with related phenotype in a genotype context consistent with recessive disease (PMID: 32747562). This variant has been reported in individuals with related phenotype (PMID: 32747562). The variant is present at low frequency in population datasets. Based on the available data, this variant is classified as pathogenic.

Laboratory of Dr. Barbara Vona, University Medical Center Göttingen
Classification: Pathogenic for Hearing loss, autosomal recessive 106. Last evaluated: 2025-08-10. Review status: criteria provided, single submitter. Criteria: ClinGen HL ACMG Specifications v1. Collection method: research. Allele origin: germline. Affected: yes. Observed: 1 variant allele.
Comment: The variant fits with a known loss-of-function mechanism of disease. This variant has been published before (PMID: 32747562) and is pathogenic in ClinVar (VCV001334121.13). PVS1_VS, PM2_P, PM3_S, PP1_P

PreventionGenetics, part of Exact Sciences
Classification: Likely pathogenic for EPS8L2-related condition. Last evaluated: 2025-07-16. Review status: criteria provided, single submitter. Criteria: ACMG Guidelines, 2015. Collection method: clinical testing. Allele origin: germline.
Comment: The EPS8L2 c.1430dupC variant is predicted to result in a frameshift and premature protein termination (p.Val478Serfs*25). This variant was reported in homozygous state in four individuals from one Palestinian family with progressive hearing loss with an onset at about 6 years of age (Table S2B, Abu Rayyan et al. 2020. PubMed ID: 32747562). This variant is reported in 0.037% of alleles in individuals of European (Non-Finnish) descent in gnomAD. This variant is assessed as pathogenic by multiple submitters in ClinVar. Frameshift variants in EPS8L2 are expected to be pathogenic. This variant is interpreted as likely pathogenic.

First Genomix Gene Laboratory, Genetic Diagnostics Department
Classification: Pathogenic for Hearing loss, autosomal recessive 106. Last evaluated: 2025-01-08. Review status: criteria provided, single submitter. Criteria: ACMG Guidelines, 2015. Collection method: clinical testing. Allele origin: germline. Inheritance: Autosomal recessive inheritance. Affected: no. Observed: 1 variant allele.

Women's Health and Genetics/Laboratory Corporation of America, LabCorp
Classification: Pathogenic for Hearing loss, autosomal recessive 106. Last evaluated: 2024-11-13. Review status: criteria provided, single submitter. Criteria: LabCorp Variant Classification Summary - May 2015. Collection method: clinical testing. Allele origin: germline.
Comment: Variant summary: EPS8L2 c.1430dupC (p.Val478SerfsX25) results in a premature termination codon, predicted to cause a truncation of the encoded protein or absence of the protein due to nonsense mediated decay, which are commonly known mechanisms for disease. The variant allele was found at a frequency of 0.00017 in 236228 control chromosomes. This frequency is not significantly higher than estimated for a pathogenic variant in EPS8L2 causing Hearing Loss, Autosomal Recessive 106, allowing no conclusion about variant significance. c.1430dupC has been reported in the literature in the homozygous state in at least one family where it segregated with multiple individuals affected with Hearing Loss, Autosomal Recessive 106 (Rayyan_2020). These data indicate that the variant is very likely to be associated with disease. To our knowledge, no experimental evidence demonstrating an impact on protein function has been reported. The following publication have been ascertained in the context of this evaluation (PMID: 32747562). ClinVar contains an entry for this variant (Variation ID: 1334121). Based on the evidence outlined above, the variant was classified as pathogenic.

Blueprint Genetics
Classification: Likely pathogenic for EPS8L2-related disorders. Last evaluated: 2024-06-10. Review status: criteria provided, single submitter. Criteria: ACMG Guidelines, 2015. Collection method: clinical testing. Allele origin: germline. Affected: yes. Observed: 5 variant alleles.

Department of Pathology and Laboratory Medicine, Sinai Health System
Classification: Pathogenic for Hearing loss, autosomal recessive 106. Last evaluated: 2023-10-19. Review status: criteria provided, single submitter. Criteria: ACMG Guidelines, 2015. Collection method: research. Allele origin: germline.

King Laboratory, University of Washington
Classification: Pathogenic for Hearing loss, autosomal recessive 106. Last evaluated: 2020-08-01. Review status: criteria provided, single submitter. Criteria: Abu Rayyan A et al. (Proc Natl Acad Sci U S A 2020). Collection method: research. Allele origin: germline. Affected: yes.
Comment: EPS8L2 c.1430dup, p.476fs leads to a premature stop codon 508. It is homozygous in 4 Palestinian children with progressive hearing loss diagnosed in the first decade (Abu Rayyan 2020). The variant is absent from 1300 Palestinian controls and absent from gnomAD v2.1.1.

OMIM
Classification: Pathogenic for DEAFNESS, AUTOSOMAL RECESSIVE 106. Last evaluated: 2026-02-10. Review status: no assertion criteria provided. Collection method: literature only. Allele origin: germline. Not counted in ClinVar's aggregate classification.

Zotz-Klimas Genetics Lab, MVZ Zotz Klimas
Classification: Pathogenic for Hearing loss, autosomal recessive 106. Last evaluated: 2023-10-09. Review status: no assertion criteria provided. Collection method: clinical testing. Allele origin: germline. Affected: yes. Not counted in ClinVar's aggregate classification.

Literature cited by the submitters: PubMed 26282398 (cited by Labcorp Genetics (formerly Invitae), Labcorp); PubMed 28281779 (cited by Labcorp Genetics (formerly Invitae), Labcorp); PubMed 32747562 (cited by Dasa and Women's Health and Genetics/Laboratory Corporation of America, LabCorp); PubMed 41514136 (cited by OMIM).